The following is an entry in ClinVar:

NM_001754.5(RUNX1):c.806-8C>A

Gene: RUNX1 (RUNX family transcription factor 1; minus strand). Cytogenetic location: 21q22.12.
Variant type: single nucleotide variant.
Coding change: c.806-8C>A on transcript NM_001754.5 (MANE Select); 8 bases into the intron before coding-DNA position 806, C replaced by A.
Molecular consequence: intron variant.
Genome position (GRCh38, 1-based): chr21:34,799,470, G>T on the plus strand (C>A on the coding strand, the complement: RUNX1 is on the minus strand). VCF-style: chr21-34799470-G-T. GRCh37 (hg19) VCF-style: chr21-36171767-G-T.
Other names: c.725-8C>A (NM_001001890.3).
Identifiers: ClinVar variation 1973721 (VCV001973721.6), dbSNP rs1200875659, ClinGen allele CA2580098849.
Genomic context (GRCh38, chr21:34,799,470, plus strand): 5'-TTGGTAGGACTGATCGTAGGACCACGGTGGGGATGGTTGGATCTGCCTTGTATCTGAAGA[G>T]AATCAGAAAGGTCAATTATATGTAAAGTGGGGTGGGATTTAAAAAATGTCTTTTAATAAG-3'

ClinVar aggregate classification (germline): Uncertain significance. Review status: reviewed by expert panel (3 of 4 stars). 2 submissions from 2 submitters: Uncertain significance (1). 1 of the submissions does not count toward it. Last evaluated 2024-09-18.

Conditions:
Hereditary thrombocytopenia and hematologic cancer predisposition syndrome. Identifiers: Orphanet 71290, MedGen CN281654, MONDO:0011071.
Hereditary thrombocytopenia and hematological cancer predisposition syndrome associated with RUNX1. Also called: RUNX1 Familial Platelet Disorder with Associated Myeloid Malignancies; Familial Platelet Disorder with Propensity to Acute Myelogenous Leukemia; Familial thrombocytopenia with propensity to acute myelogenous leukemia; PLATELET DISORDER, ASPIRIN-LIKE. Identifiers: Orphanet 71290, MedGen C1832388, MeSH C563324, MONDO:0100083, OMIM 601399.

Submissions (2):

ClinGen Myeloid Malignancy Variant Curation Expert Panel
Classification: Uncertain significance for Hereditary thrombocytopenia and hematologic cancer predisposition syndrome. Last evaluated: 2024-09-18. Review status: reviewed by expert panel. Criteria: ClinGen MyeloMalig ACMG Specifications v2. Collection method: curation. Allele origin: germline. Inheritance: Autosomal dominant inheritance.
Comment: NM_001754.5(RUNX1):c.806-8C>A is an intronic variant which has a SpliceAI score ≤ 0.20 (0.05) (BP4). In summary, the clinical significance of this variant is uncertain. ACMG/AMP criteria applied, as specified by the Myeloid Malignancy Variant Curation Expert Panel for RUNX1: BP4.

Labcorp Genetics (formerly Invitae), Labcorp
Classification: Likely benign for Hereditary thrombocytopenia and hematological cancer predisposition syndrome associated with RUNX1. Last evaluated: 2022-01-14. Review status: criteria provided, single submitter. Criteria: Invitae Variant Classification Sherloc (09022015). Collection method: clinical testing. Allele origin: germline. Not counted in ClinVar's aggregate classification.